The following is an entry in ClinVar:

ClinVar aggregate classification (germline): Uncertain significance (1 of 4 stars; one submission).

Submission:

GeneDx
Classification: Uncertain significance. Last evaluated: 2025-06-13. Review status: criteria provided, single submitter. Criteria: GeneDx Variant Classification Process June 2021. Collection method: clinical testing. Allele origin: germline. Affected: yes.
Comment: Not observed at significant frequency in large population cohorts (gnomAD); Canonical splice site variant in a gene or region of a gene for which loss of function is not a well-established mechanism of disease; Has not been previously published as pathogenic or benign to our knowledge

NM_001256071.3(RNF213):c.97+2del

Gene: RNF213 (ring finger protein 213; plus strand). Cytogenetic location: 17q25.3.
Variant type: Deletion.
Coding change: c.97+2del on transcript NM_001256071.3 (MANE Select); the canonical splice donor site of the intron after coding-DNA position 97, one base deleted (T; older notation c.97+2delT).
Molecular consequence: splice donor variant.
Genome position (GRCh38, 1-based): chr17:80,263,780, T deleted. VCF-style (leftmost placement, unchanged base first): chr17-80263779-GT-G. GRCh37 (hg19) VCF-style: chr17-78237578-GT-G.
Other names: c.97+2del (NM_020914.5, NM_001410195.1, NM_020954.4).
Identifiers: ClinVar variation 4537641 (VCV004537641.1).
Genomic context (GRCh38, chr17:80,263,779, plus strand): 5'-AAACCCCCAAGTTCTGCAGCCAGTGCGGAGAGAGGCTGCCTCCTGCAGCCCCCATAGCAG[GT>G]GAGGCCCAGGGGTGCTGGTGGAGGCTGGGGCAGTGGGGACCCCTGGAGATGTCTCACCTC-3'